The following is an entry in ClinVar:

NM_002427.4(MMP13):c.1135G>C (p.Val379Leu)

Gene: MMP13 (matrix metallopeptidase 13; minus strand). Cytogenetic location: 11q22.2.
Variant type: single nucleotide variant.
Coding change: c.1135G>C on transcript NM_002427.4 (MANE Select); coding-DNA position 1135, G replaced by C.
Protein change: p.Val379Leu; replaces valine 379 with leucine.
Molecular consequence: missense variant.
Genome position (GRCh38, 1-based): chr11:102,947,967, C>G on the plus strand (G>C on the coding strand, the complement: MMP13 is on the minus strand). VCF-style: chr11-102947967-C-G. GRCh37 (hg19) VCF-style: chr11-102818696-C-G.
Other names: short protein forms V379L.
Identifiers: ClinVar variation 2880424 (VCV002880424.3), dbSNP rs782292241, ClinGen allele CA6251776.

ClinVar aggregate classification (germline): Uncertain significance (1 of 4 stars; one submission).

gnomAD v4.1: 16 of 1,613,894 alleles (0.00099%); highest among the groups gnomAD compares: Non-Finnish European, 0.0013%; no homozygotes.

Submission:

Labcorp Genetics (formerly Invitae), Labcorp
Classification: Uncertain significance. Last evaluated: 2023-06-14. Review status: criteria provided, single submitter. Criteria: Invitae Variant Classification Sherloc (09022015). Collection method: clinical testing. Allele origin: germline.
Comment: This sequence change replaces valine, which is neutral and non-polar, with leucine, which is neutral and non-polar, at codon 379 of the MMP13 protein (p.Val379Leu). This variant is present in population databases (rs782292241, gnomAD 0.0009%). This variant has not been reported in the literature in individuals affected with MMP13-related conditions. Advanced modeling of protein sequence and biophysical properties (such as structural, functional, and spatial information, amino acid conservation, physicochemical variation, residue mobility, and thermodynamic stability) performed at Invitae indicates that this missense variant is not expected to disrupt MMP13 protein function. In summary, the available evidence is currently insufficient to determine the role of this variant in disease. Therefore, it has been classified as a Variant of Uncertain Significance.